The following is an entry in ClinVar:

NM_001352027.3(PHF21A):c.1954C>G (p.Pro652Ala)

Gene: PHF21A (PHD finger protein 21A; minus strand). Cytogenetic location: 11p11.2.
Variant type: single nucleotide variant.
Coding change: c.1954C>G on transcript NM_001352027.3 (MANE Select); coding-DNA position 1954, C replaced by G.
Protein change: p.Pro652Ala; replaces proline 652 with alanine.
Molecular consequence: missense variant. On other transcripts: non-coding transcript variant (2).
Genome position (GRCh38, 1-based): chr11:45,934,060, G>C on the plus strand (C>G on the coding strand, the complement: PHF21A is on the minus strand). VCF-style: chr11-45934060-G-C. GRCh37 (hg19) VCF-style: chr11-45955611-G-C.
Other names: c.1951C>G, p.Pro651Ala (NM_001101802.3); c.1954C>G, p.Pro652Ala (NM_001352025.3, NM_001352026.3); c.1813C>G, p.Pro605Ala (NM_001352028.1, NM_001352029.1, NM_016621.5); c.1810C>G, p.Pro604Ala (NM_001352030.3, NM_001352031.3, NM_001352032.3); c.1951C>G (NM_001101802.1); short protein forms P604A, P605A, P651A, P652A.
Identifiers: ClinVar variation 2968790 (VCV002968790.4), dbSNP rs1181980791, ClinGen allele CA380253078.

ClinVar aggregate classification (germline): Uncertain significance. Review status: criteria provided, multiple submitters, no conflicts (2 of 4 stars). 2 submissions from 2 submitters: Uncertain significance (2). Last evaluated 2025-09-04.

Conditions:
Inborn genetic diseases. Identifiers: MedGen C0950123, MeSH D030342.

Allele frequency attached by ClinVar (database versions not stated): gnomAD 0.00001.
gnomAD v4.1: 3 of 1,613,798 alleles (0.00019%); highest among the groups gnomAD compares: Admixed American, 0.005%; no homozygotes.

Submissions (2):

Ambry Genetics
Classification: Uncertain significance for Inborn genetic diseases. Last evaluated: 2025-09-04. Review status: criteria provided, single submitter. Criteria: Ambry Variant Classification Scheme 2023. Collection method: clinical testing. Allele origin: germline.

Labcorp Genetics (formerly Invitae), Labcorp
Classification: Uncertain significance. Last evaluated: 2025-03-03. Review status: criteria provided, single submitter. Criteria: Invitae Variant Classification Sherloc (09022015). Collection method: clinical testing. Allele origin: germline.
Comment: This sequence change replaces proline, which is neutral and non-polar, with alanine, which is neutral and non-polar, at codon 651 of the PHF21A protein (p.Pro651Ala). This variant is present in population databases (no rsID available, gnomAD 0.009%). This variant has not been reported in the literature in individuals affected with PHF21A-related conditions. ClinVar contains an entry for this variant (Variation ID: 2968790). Invitae Evidence Modeling of protein sequence and biophysical properties (such as structural, functional, and spatial information, amino acid conservation, physicochemical variation, residue mobility, and thermodynamic stability) indicates that this missense variant is not expected to disrupt PHF21A protein function with a negative predictive value of 80%. In summary, the available evidence is currently insufficient to determine the role of this variant in disease. Therefore, it has been classified as a Variant of Uncertain Significance.